The following is an entry in ClinVar:

ClinVar aggregate classification (germline): Uncertain significance. Review status: criteria provided, multiple submitters, no conflicts (2 of 4 stars). 3 submissions from 3 submitters: Uncertain significance (2). 1 of the submissions does not count toward it. Last evaluated 2022-08-22.

Conditions:
Pontocerebellar hypoplasia type 1B. Also called: EXOSC3 Pontocerebellar Hypoplasia. Identifiers: Orphanet 2254, MedGen C3553449, MONDO:0013853, OMIM 614678.

Submissions (3):

Labcorp Genetics (formerly Invitae), Labcorp
Classification: Uncertain significance for Pontocerebellar hypoplasia type 1B. Last evaluated: 2022-08-22. Review status: criteria provided, single submitter. Criteria: Invitae Variant Classification Sherloc (09022015). Collection method: clinical testing. Allele origin: germline.
Comment: This sequence change replaces arginine, which is basic and polar, with serine, which is neutral and polar, at codon 18 of the EXOSC3 protein (p.Arg18Ser). This variant is present in population databases (no rsID available, gnomAD 9%), including at least one homozygous and/or hemizygous individual. This variant has not been reported in the literature in individuals affected with EXOSC3-related conditions. ClinVar contains an entry for this variant (Variation ID: 650346). Algorithms developed to predict the effect of missense changes on protein structure and function are either unavailable or do not agree on the potential impact of this missense change (SIFT: "Not Available"; PolyPhen-2: "Probably Damaging"; Align-GVGD: "Not Available"). In summary, the available evidence is currently insufficient to determine the role of this variant in disease. Therefore, it has been classified as a Variant of Uncertain Significance.

Fulgent Genetics
Classification: Uncertain significance for Pontocerebellar hypoplasia type 1B. Last evaluated: 2021-09-04. Review status: criteria provided, single submitter. Criteria: ACMG Guidelines, 2015. Collection method: clinical testing. Allele origin: unknown.

Service de Génétique Moléculaire, Hôpital Robert Debré
Classification: Likely benign for Pontocerebellar hypoplasia type 1B. Review status: no assertion criteria provided. Collection method: clinical testing. Allele origin: unknown. Affected: yes. Not counted in ClinVar's aggregate classification.

NM_016042.4(EXOSC3):c.52_53delinsTC (p.Arg18Ser)

Gene: EXOSC3 (exosome component 3; minus strand). Cytogenetic location: 9p13.2.
Variant type: Indel.
Coding change: c.52_53delinsTC on transcript NM_016042.4 (MANE Select); coding-DNA positions 52 to 53, CG replaced by TC.
Protein change: p.Arg18Ser; replaces arginine 18 with serine.
Molecular consequence: missense variant.
Genome position (GRCh38, 1-based): chr9:37,784,992-37,784,993, CG replaced by GA on the plus strand (CG replaced by TC on the coding strand, the reverse complement: EXOSC3 is on the minus strand). VCF-style: chr9-37784992-CG-GA. GRCh37 (hg19) VCF-style: chr9-37784989-CG-GA.
Other names: c.52_53delinsTC (NM_016042.3); c.52_53delinsTC, p.Arg18Ser (NM_001002269.2); short protein forms R18S.
Identifiers: ClinVar variation 650346 (VCV000650346.11), dbSNP rs1589061488, ClinGen allele CA915947453.